The following is an entry in ClinVar:

ClinVar aggregate classification (germline): Uncertain significance (1 of 4 stars; one submission).

Conditions:
PDGFRA-related disorder. Also called: PDGFRA-related condition.

Allele frequency attached by ClinVar (database versions not stated): TOPMed 0.00002; gnomAD 0.00003.
gnomAD v4.1: 4 of 152,200 alleles (0.0026%); highest among the groups gnomAD compares: Non-Finnish European, 0.0059%; no homozygotes.

Submission:

PreventionGenetics, part of Exact Sciences
Classification: Uncertain significance for PDGFRA-related condition. Last evaluated: 2023-08-28. Review status: criteria provided, single submitter. Criteria: ACMG Guidelines, 2015. Collection method: clinical testing. Allele origin: germline.
Comment: The PDGFRA c.13G>A variant is predicted to result in the amino acid substitution p.Glu5Lys. To our knowledge, this variant has not been reported in the literature or in a large population database, indicating this variant is rare. At this time, the clinical significance of this variant is uncertain due to the absence of conclusive functional and genetic evidence.

NM_006206.6(PDGFRA):c.-13+5069G>A

Gene: PDGFRA (platelet derived growth factor receptor alpha; plus strand). Cytogenetic location: 4q12.
Variant type: single nucleotide variant.
Coding change: c.-13+5069G>A on transcript NM_006206.6 (MANE Select); 5069 bases into the intron after 13 bases upstream of the start codon, G replaced by A.
Molecular consequence: intron variant. On other transcripts: missense variant (1).
Genome position (GRCh38, 1-based): chr4:54,234,484, G>A. VCF-style: chr4-54234484-G-A. GRCh37 (hg19) VCF-style: chr4-55100651-G-A.
Other names: c.13G>A, p.Glu5Lys (NM_001347830.2); c.-16+5069G>A (NM_001347828.2); c.-13+5069G>A (NM_001347827.2); c.-13+1041G>A (NM_001347829.2); short protein forms E5K.
Identifiers: ClinVar variation 2631965 (VCV002631965.1), dbSNP rs1283099915, ClinGen allele CA796269647.